The following is an entry in ClinVar:

NM_000179.3(MSH6):c.1181C>A (p.Ser394Tyr)

Gene: MSH6 (mutS homolog 6; plus strand). Cytogenetic location: 2p16.3.
Variant type: single nucleotide variant.
Coding change: c.1181C>A on transcript NM_000179.3 (MANE Select); coding-DNA position 1181, C replaced by A.
Protein change: p.Ser394Tyr; replaces serine 394 with tyrosine.
Molecular consequence: missense variant.
Genome position (GRCh38, 1-based): chr2:47,799,164, C>A. VCF-style: chr2-47799164-C-A. GRCh37 (hg19) VCF-style: chr2-48026303-C-A.
Other names: c.791C>A, p.Ser264Tyr (NM_001281492.2); c.275C>A, p.Ser92Tyr (NM_001281493.2, NM_001281494.2); short protein forms S394Y, S92Y, S264Y.
Identifiers: ClinVar variation 570754 (VCV000570754.9), dbSNP rs1410933611, ClinGen allele CA346742376.

ClinVar aggregate classification (germline): Uncertain significance (1 of 4 stars; one submission).

Conditions:
Hereditary nonpolyposis colorectal neoplasms. Identifiers: MedGen C0009405, MeSH D003123.

Submission:

Labcorp Genetics (formerly Invitae), Labcorp
Classification: Uncertain significance for Hereditary nonpolyposis colorectal neoplasms. Last evaluated: 2018-01-05. Review status: criteria provided, single submitter. Criteria: Invitae Variant Classification Sherloc (09022015). Collection method: clinical testing. Allele origin: germline.
Comment: In summary, the available evidence is currently insufficient to determine the role of this variant in disease. Therefore, it has been classified as a Variant of Uncertain Significance. Algorithms developed to predict the effect of missense changes on protein structure and function do not agree on the potential impact of this missense change (SIFT: "Deleterious"; PolyPhen-2: "Possibly Damaging"; Align-GVGD: "Class C0"). This variant has not been reported in the literature in individuals with MSH6-related disease. This variant is not present in population databases (ExAC no frequency). This sequence change replaces serine with tyrosine at codon 394 of the MSH6 protein (p.Ser394Tyr). The serine residue is weakly conserved and there is a large physicochemical difference between serine and tyrosine.